The following is an entry in ClinVar:

NM_001195263.2(PDZD7):c.1951A>T (p.Arg651Ter)

Gene: PDZD7 (PDZ domain containing 7; minus strand). Cytogenetic location: 10q24.31.
Variant type: single nucleotide variant.
Coding change: c.1951A>T on transcript NM_001195263.2 (MANE Select); coding-DNA position 1951, A replaced by T.
Protein change: p.Arg651Ter; replaces arginine 651 with a stop codon.
Molecular consequence: nonsense.
Genome position (GRCh38, 1-based): chr10:101,011,744, T>A on the plus strand (A>T on the coding strand, the complement: PDZD7 is on the minus strand). VCF-style: chr10-101011744-T-A. GRCh37 (hg19) VCF-style: chr10-102771501-T-A.
Other names: short protein forms R651*.
Identifiers: ClinVar variation 3638513 (VCV003638513.2).

ClinVar aggregate classification (germline): Pathogenic (1 of 4 stars; one submission).

Submission:

Labcorp Genetics (formerly Invitae), Labcorp
Classification: Pathogenic. Last evaluated: 2024-02-02. Review status: criteria provided, single submitter. Criteria: Invitae Variant Classification Sherloc (09022015). Collection method: clinical testing. Allele origin: germline.
Comment: This sequence change creates a premature translational stop signal (p.Arg651*) in the PDZD7 gene. It is expected to result in an absent or disrupted protein product. Loss-of-function variants in PDZD7 are known to be pathogenic (PMID: 20440071). This variant is not present in population databases (gnomAD no frequency). This variant has not been reported in the literature in individuals affected with PDZD7-related conditions. For these reasons, this variant has been classified as Pathogenic.

Literature cited by the submitters: PubMed 20440071.